The following is an entry in ClinVar:

NM_001291303.3(FAT4):c.8921A>G (p.Asn2974Ser)

Gene: FAT4 (FAT atypical cadherin 4; plus strand). Cytogenetic location: 4q28.1.
Variant type: single nucleotide variant.
Coding change: c.8921A>G on transcript NM_001291303.3 (MANE Select); coding-DNA position 8921, A replaced by G.
Protein change: p.Asn2974Ser; replaces asparagine 2974 with serine.
Molecular consequence: missense variant.
Genome position (GRCh38, 1-based): chr4:125,449,931, A>G. VCF-style: chr4-125449931-A-G. GRCh37 (hg19) VCF-style: chr4-126371086-A-G.
Other names: c.8921A>G, p.Asn2974Ser (NM_001291285.3); c.8915A>G, p.Asn2972Ser (NM_024582.6); c.8915A>G (NM_024582.4); short protein forms N2972S, N2974S.
Identifiers: ClinVar variation 3600425 (VCV003600425.2).

ClinVar aggregate classification (germline): Uncertain significance. Review status: criteria provided, multiple submitters, no conflicts (2 of 4 stars). 2 submissions from 2 submitters: Uncertain significance (2). Last evaluated 2025-04-12.

Conditions:
Hennekam lymphangiectasia-lymphedema syndrome 2 (HKLLS2). Identifiers: Orphanet 2136, MedGen C4014939, MONDO:0014454, OMIM 616006.
Inborn genetic diseases. Identifiers: MedGen C0950123, MeSH D030342.

gnomAD v4.1: 16 of 1,613,892 alleles (0.00099%); highest among the groups gnomAD compares: South Asian, 0.016%; no homozygotes.

Submissions (2):

Ambry Genetics
Classification: Uncertain significance for Inborn genetic diseases. Last evaluated: 2025-04-12. Review status: criteria provided, single submitter. Criteria: Ambry Variant Classification Scheme 2023. Collection method: clinical testing. Allele origin: germline.

Clinical Genomics Laboratory, Washington University in St. Louis
Classification: Uncertain significance for Hennekam lymphangiectasia-lymphedema syndrome 2. Last evaluated: 2024-06-20. Review status: criteria provided, single submitter. Criteria: ACMG Guidelines, 2015. Collection method: clinical testing. Allele origin: germline.
Comment: A FAT4 c.8921A>G (p.Asn2974Ser) variant was identified at a near heterozygous allele fraction, which may be consistent with germline origin. This variant, to our knowledge, has not been reported in the medical literature and is observed on 16/1,613,892 alleles in the general population (gnomAD v4.1.0). Computational predictors suggest that this variant does not impact FAT4 function. Due to limited information, and based on ACMG/AMP guidelines for variant interpretation (Richards S et al., PMID: 25741868), the clinical significance of the FAT4 c.8921A>G (p.Asn2974Ser) variant is uncertain at this time.